The following is an entry in ClinVar:

ClinVar aggregate classification (germline): Uncertain significance (1 of 4 stars; one submission).

Conditions:
Microcephaly-intellectual disability-sensorineural hearing loss-epilepsy-abnormal muscle tone syndrome (NEDHSB). Also called: NEURODEVELOPMENTAL DISORDER WITH HEARING LOSS, SEIZURES, AND BRAIN ABNORMALITIES. Identifiers: Orphanet 457351, MedGen C4225276, MONDO:0014698, OMIM 616577.

Allele frequency attached by ClinVar (database versions not stated): gnomAD exomes below 0.00001; gnomAD 0.00001.
gnomAD v4.1: 3 of 1,605,418 alleles (0.00019%); highest among the groups gnomAD compares: Non-Finnish European, 0.00017%; no homozygotes.

Submission:

Labcorp Genetics (formerly Invitae), Labcorp
Classification: Uncertain significance for Microcephaly-intellectual disability-sensorineural hearing loss-epilepsy-abnormal muscle tone syndrome. Last evaluated: 2021-12-25. Review status: criteria provided, single submitter. Criteria: Invitae Variant Classification Sherloc (09022015). Collection method: clinical testing. Allele origin: germline.
Comment: This sequence change replaces isoleucine, which is neutral and non-polar, with valine, which is neutral and non-polar, at codon 438 of the SPATA5 protein (p.Ile438Val). This variant is present in population databases (no rsID available, gnomAD 0.0009%). This variant has not been reported in the literature in individuals affected with SPATA5-related conditions. Advanced modeling of protein sequence and biophysical properties (such as structural, functional, and spatial information, amino acid conservation, physicochemical variation, residue mobility, and thermodynamic stability) performed at Invitae indicates that this missense variant is not expected to disrupt SPATA5 protein function. Algorithms developed to predict the effect of sequence changes on RNA splicing suggest that this variant may create or strengthen a splice site. In summary, the available evidence is currently insufficient to determine the role of this variant in disease. Therefore, it has been classified as a Variant of Uncertain Significance.

NM_145207.3(AFG2A):c.1312A>G (p.Ile438Val)

Gene: AFG2A (AAA ATPase AFG2A; plus strand). Cytogenetic location: 4q28.1.
Variant type: single nucleotide variant.
Coding change: c.1312A>G on transcript NM_145207.3 (MANE Select); coding-DNA position 1312, A replaced by G.
Protein change: p.Ile438Val; replaces isoleucine 438 with valine.
Molecular consequence: missense variant.
Genome position (GRCh38, 1-based): chr4:122,936,134, A>G. VCF-style: chr4-122936134-A-G. GRCh37 (hg19) VCF-style: chr4-123857289-A-G.
Other names: c.1309A>G, p.Ile437Val (NM_001317799.2, NM_001345856.2); short protein forms I437V, I438V.
Identifiers: ClinVar variation 1925569 (VCV001925569.4), dbSNP rs1217181493, ClinGen allele CA358105079.